The following is an entry in ClinVar:

ClinVar aggregate classification (germline): Conflicting classifications of pathogenicity. Review status: criteria provided, conflicting classifications (1 of 4 stars). 4 submissions from 4 submitters: Uncertain significance (1); Likely benign (2). 1 of the submissions does not count toward it. Last evaluated 2026-01-09.

Conditions:
Holocarboxylase synthetase deficiency. Also called: MULTIPLE CARBOXYLASE DEFICIENCY, EARLY ONSET. Identifiers: Orphanet 79242, MedGen C0268581, MONDO:0009666, OMIM 253270.

Allele frequency attached by ClinVar (database versions not stated): ExAC 0.00003; gnomAD 0.00003 and 0.00004; gnomAD exomes 0.00004; TOPMed 0.00004.
gnomAD v4.1: 125 of 1,613,994 alleles (0.0077%); highest among the groups gnomAD compares: Non-Finnish European, 0.01%; no homozygotes.

Submissions (4):

Labcorp Genetics (formerly Invitae), Labcorp
Classification: Likely benign for Holocarboxylase synthetase deficiency. Last evaluated: 2026-01-09. Review status: criteria provided, single submitter. Criteria: Invitae Variant Classification Sherloc (09022015). Collection method: clinical testing. Allele origin: germline.

CeGaT Center for Human Genetics Tuebingen
Classification: Likely benign. Last evaluated: 2023-03-01. Review status: criteria provided, single submitter. Criteria: CeGaT Center For Human Genetics Tuebingen Variant Classification Criteria Version 2. Collection method: clinical testing. Allele origin: germline. Affected: yes. Observed: 1 variant allele.
Comment: HLCS: BP4, BP7

Illumina Laboratory Services, Illumina
Classification: Uncertain significance for Holocarboxylase synthetase deficiency. Last evaluated: 2018-01-13. Review status: criteria provided, single submitter. Criteria: ICSL Variant Classification Criteria 13 December 2019. Collection method: clinical testing. Allele origin: germline.

Natera, Inc.
Classification: Likely benign for Holocarboxylase synthetase deficiency. Last evaluated: 2020-09-17. Review status: no assertion criteria provided. Collection method: clinical testing. Allele origin: germline. Not counted in ClinVar's aggregate classification.

NM_001352514.2(HLCS):c.918A>G (p.Gly306=)

Gene: HLCS (holocarboxylase synthetase; minus strand). Cytogenetic location: 21q22.13.
Variant type: single nucleotide variant.
Coding change: c.918A>G on transcript NM_001352514.2 (MANE Select); coding-DNA position 918, A replaced by G.
Protein change: p.Gly306=; no amino-acid change (glycine 306 retained).
Molecular consequence: synonymous variant. On other transcripts: non-coding transcript variant (2).
Genome position (GRCh38, 1-based): chr21:36,936,968, T>C on the plus strand (A>G on the coding strand, the complement: HLCS is on the minus strand). VCF-style: chr21-36936968-T-C. GRCh37 (hg19) VCF-style: chr21-38309268-T-C.
Other names: c.477A>G, p.Gly159= (NM_000411.8, NM_001242784.3, NM_001242785.2 and 4 more transcripts).
Identifiers: ClinVar variation 339965 (VCV000339965.44), dbSNP rs767988985, ClinGen allele CA10020677.